The following is an entry in ClinVar:

NM_152383.5(DIS3L2):c.1538T>A (p.Leu513Gln)

Gene: DIS3L2 (DIS3 like 3'-5' exoribonuclease 2; plus strand). Cytogenetic location: 2q37.1.
Variant type: single nucleotide variant.
Coding change: c.1538T>A on transcript NM_152383.5 (MANE Select); coding-DNA position 1538, T replaced by A.
Protein change: p.Leu513Gln; replaces leucine 513 with glutamine.
Molecular consequence: missense variant. On other transcripts: non-coding transcript variant (2).
Genome position (GRCh38, 1-based): chr2:232,263,319, T>A. VCF-style: chr2-232263319-T-A. GRCh37 (hg19) VCF-style: chr2-233128029-T-A.
Other names: c.1538T>A, p.Leu513Gln (NM_001257281.2); short protein forms L513Q.
Identifiers: ClinVar variation 2122944 (VCV002122944.4), dbSNP rs2470079306, ClinGen allele CA350975485.

ClinVar aggregate classification (germline): Uncertain significance (1 of 4 stars; one submission).

Conditions:
Perlman syndrome (PRLMNS). Identifiers: Orphanet 2849, MedGen C0796113, MONDO:0009965, OMIM 267000.

Submission:

Labcorp Genetics (formerly Invitae), Labcorp
Classification: Uncertain significance for Perlman syndrome. Last evaluated: 2022-08-06. Review status: criteria provided, single submitter. Criteria: Invitae Variant Classification Sherloc (09022015). Collection method: clinical testing. Allele origin: germline.
Comment: In summary, the available evidence is currently insufficient to determine the role of this variant in disease. Therefore, it has been classified as a Variant of Uncertain Significance. Algorithms developed to predict the effect of missense changes on protein structure and function are either unavailable or do not agree on the potential impact of this missense change (SIFT: "Deleterious"; PolyPhen-2: "Probably Damaging"; Align-GVGD: "Class C0"). This variant has not been reported in the literature in individuals affected with DIS3L2-related conditions. This variant is not present in population databases (gnomAD no frequency). This sequence change replaces leucine, which is neutral and non-polar, with glutamine, which is neutral and polar, at codon 513 of the DIS3L2 protein (p.Leu513Gln).